The following is an entry in ClinVar:

NC_000023.10:g.(?_32380885)_(32862997_?)del

Gene: DMD (dystrophin; minus strand). Cytogenetic location: Xp21.1.
Variant type: Deletion.
Identifiers: ClinVar variation 1453283 (VCV001453283.6).

ClinVar aggregate classification (germline): Pathogenic (1 of 4 stars; one submission).

Conditions:
Duchenne muscular dystrophy (DMD). Also called: Duchenne Muscular Dystrophy (DMD); MUSCULAR DYSTROPHY, PSEUDOHYPERTROPHIC PROGRESSIVE, DUCHENNE TYPE. Identifiers: Orphanet 98896, MedGen C0013264, MONDO:0010679, OMIM 310200.

Submission:

Labcorp Genetics (formerly Invitae), Labcorp
Classification: Pathogenic for Duchenne muscular dystrophy. Last evaluated: 2022-01-17. Review status: criteria provided, single submitter. Criteria: Invitae Variant Classification Sherloc (09022015). Collection method: clinical testing. Allele origin: germline.
Comment: For these reasons, this variant has been classified as Pathogenic. This variant disrupts a region of the DMD protein in which other variant(s) (Deletion (Exon 5)) have been determined to be pathogenic (PMID: 12920092, 24292997, 26745801; Invitae). This suggests that this is a clinically significant region of the protein, and that variants that disrupt it are likely to be disease-causing. This variant has not been reported in the literature in individuals affected with DMD-related conditions. This variant is a gross deletion of the genomic region encompassing exon(s) 4-37 of the DMD gene. This variant would be expected to be in-frame, preserving the integrity of the reading frame.

Literature cited by the submitters: PubMed 12920092; PubMed 24292997; PubMed 26745801.